The following is an entry in ClinVar:

ClinVar aggregate classification (germline): Likely benign (1 of 4 stars; one submission).

Conditions:
H19-related disorder. Also called: H19-related condition.

Submission:

PreventionGenetics, part of Exact Sciences
Classification: Likely benign for H19-related condition. Last evaluated: 2026-06-02. Review status: criteria provided, single submitter. Criteria: ACMG Guidelines, 2015. Collection method: clinical testing. Allele origin: germline.
Comment: This variant is classified as likely benign based on ACMG/AMP sequence variant interpretation guidelines (Richards et al. 2015 PMID: 25741868, with internal and published modifications).

NR_002196.3(H19):n.1520G>A

Genes: H19 (H19 imprinted maternally expressed transcript; minus strand), HOTS (H19 opposite tumor suppressor; plus strand), MRPL23 (mitochondrial ribosomal protein L23; plus strand). Cytogenetic location: 11p15.5.
Variant type: single nucleotide variant.
Molecular consequence: non-coding transcript variant (on NR_002196.3). On other transcripts: intron variant (1).
Genome position: GRCh38 VCF-style: chr11-1996132-C-T. GRCh37 (hg19) VCF-style: chr11-2017362-C-T.
Other names: c.498-15409C>T (NM_001400176.1).
Identifiers: ClinVar variation 4987844 (VCV004987844.1).
Genomic context (GRCh38, chr11:1,996,132, plus strand): 5'-CCCTCACCTTTCATGTTGTGGGTTCTGGGAGCCCAGAGGGCAGCCATAGTGTGCCGACTC[C>T]GTGGAGGAAGTAAAGAAACAGACCCGCTTCTTGCCGCAGCCCCACCAGCCTAAGGTGTTC-3'